The following is an entry in ClinVar:

NM_000465.4(BARD1):c.1516_1519delinsTACA (p.His506_Val507delinsTyrMet)

Gene: BARD1 (BRCA1 associated RING domain 1; minus strand). Cytogenetic location: 2q35.
Variant type: Indel.
Coding change: c.1516_1519delinsTACA on transcript NM_000465.4 (MANE Select); coding-DNA positions 1516 to 1519, CATG replaced by TACA.
Protein change: p.His506_Val507delinsTyrMet.
Molecular consequence: missense variant. On other transcripts: non-coding transcript variant (3), intron variant (3).
Genome position (GRCh38, 1-based): chr2:214,767,531-214,767,534, CATG replaced by TGTA on the plus strand (CATG replaced by TACA on the coding strand, the reverse complement: BARD1 is on the minus strand). VCF-style: chr2-214767531-CATG-TGTA. GRCh37 (hg19) VCF-style: chr2-215632255-CATG-TGTA.
Other names: c.1459_1462delinsTACA, p.His487_Val488delinsTyrMet (NM_001282543.2); c.159-14979_159-14976delinsTACA (NM_001282548.2); c.216-14979_216-14976delinsTACA (NM_001282545.2); c.364+24763_364+24766delinsTACA (NM_001282549.2).
Identifiers: ClinVar variation 2450467 (VCV002450467.2), dbSNP rs2469443107, ClinGen allele CA2580065614.
Genomic context (GRCh38, chr2:214,767,531, plus strand): 5'-GAACTACTTACACAGCATTTCTGGAGGCTCCATAGGAAAGTAACAGCTTGACTATATCCA[CATG>TGTA]CCCATTCTTGGCTGCATCGTGAAGTGGTGAGTCATTTTGATACCCGGTGGTGTTCACCAA-3'

ClinVar aggregate classification (germline): Uncertain significance (1 of 4 stars; one submission).

Conditions:
Hereditary cancer-predisposing syndrome. Also called: Neoplastic Syndromes, Hereditary; Tumor predisposition; Hereditary neoplastic syndrome; Hereditary Cancer Syndrome. Identifiers: Orphanet 140162, MedGen C0027672, MeSH D009386, MONDO:0015356.

Submission:

Ambry Genetics
Classification: Uncertain significance for Hereditary cancer-predisposing syndrome. Last evaluated: 2022-12-09. Review status: criteria provided, single submitter. Criteria: Ambry Variant Classification Scheme 2023. Collection method: clinical testing. Allele origin: germline.
Comment: The c.1516_1519delCATGinsTACA variant, located in coding exon 6 of the BARD1 gene, results from an in-frame deletion of CATG and insertion of TACA at nucleotide positions 1516 to 1519. This results in the substitution of the histidine and valine residues for tyrosine and methionine residues at codons 506 and 507. This amino acid region is not well conserved in available vertebrate species. In addition, the in silico prediction for this alteration is inconclusive (Choi Y et al. PLoS ONE. 2012; 7(10):e46688). Since supporting evidence is limited at this time, the clinical significance of this alteration remains unclear.